The following is an entry in ClinVar:

NM_001039876.3(SYNE4):c.128+10G>A

Gene: SYNE4 (spectrin repeat containing nuclear envelope family member 4; minus strand). Cytogenetic location: 19q13.12.
Variant type: single nucleotide variant.
Coding change: c.128+10G>A on transcript NM_001039876.3 (MANE Select); 10 bases into the intron after coding-DNA position 128, G replaced by A.
Molecular consequence: intron variant.
Genome position (GRCh38, 1-based): chr19:36,008,544, C>T on the plus strand (G>A on the coding strand, the complement: SYNE4 is on the minus strand). VCF-style: chr19-36008544-C-T. GRCh37 (hg19) VCF-style: chr19-36499446-C-T.
Other names: c.128+10G>A (NM_001297735.3).
Identifiers: ClinVar variation 504815 (VCV000504815.19), dbSNP rs376639796, ClinGen allele CA9394037.

ClinVar aggregate classification (germline): Likely benign. Review status: criteria provided, multiple submitters, no conflicts (2 of 4 stars). 5 submissions from 5 submitters: Likely benign (5). Last evaluated 2026-01-20.

Conditions:
SYNE4-related disorder. Also called: SYNE4-related condition.

Allele frequency attached by ClinVar (database versions not stated): 1000 Genomes Project 30x 0.00016; 1000 Genomes Project 0.00020; ESP Exome Variant Server 0.00033; gnomAD exomes 0.00036 and 0.00053; gnomAD 0.00038; TOPMed 0.00063; ExAC 0.00067.
gnomAD v4.1: 633 of 1,613,452 alleles (0.039%); highest among the groups gnomAD compares: Middle Eastern, 0.7%; 2 homozygotes.

Submissions (5):

Labcorp Genetics (formerly Invitae), Labcorp
Classification: Likely benign. Last evaluated: 2026-01-20. Review status: criteria provided, single submitter. Criteria: Invitae Variant Classification Sherloc (09022015). Collection method: clinical testing. Allele origin: germline.

PreventionGenetics, part of Exact Sciences
Classification: Likely benign for SYNE4-related condition. Last evaluated: 2025-01-23. Review status: criteria provided, single submitter. Criteria: ACMG Guidelines, 2015. Collection method: clinical testing. Allele origin: germline.
Comment: This variant is classified as likely benign based on ACMG/AMP sequence variant interpretation guidelines (Richards et al. 2015 PMID: 25741868, with internal and published modifications).

Blueprint Genetics
Classification: Likely benign. Last evaluated: 2024-10-29. Review status: criteria provided, single submitter. Criteria: ACMG Guidelines, 2015. Collection method: clinical testing. Allele origin: germline.

GeneDx
Classification: Likely benign. Last evaluated: 2018-11-26. Review status: criteria provided, single submitter. Criteria: GeneDx Variant Classification Process June 2021. Collection method: clinical testing. Allele origin: germline. Affected: yes.

Laboratory for Molecular Medicine, Mass General Brigham Personalized Medicine
Classification: Likely benign. Last evaluated: 2017-06-08. Review status: criteria provided, single submitter. Criteria: LMM Criteria. Collection method: clinical testing. Allele origin: germline. Observed: 1 variant allele.
Comment: c.128+10G>A in intron 1 of SYNE4: This variant is not expected to have clinical significance because it is not located within the conserved splice consensus seq uence. It has been identified in several populations including 34/34418 Latino c hromosomes and 82/126288 European chromosomes including 1 homozygote by the Geno me Aggregation Database (gnomAD; dbSNP rs37663 9796).